The following is an entry in ClinVar:

NM_015346.4(ZFYVE26):c.195-2A>G

Gene: ZFYVE26 (zinc finger FYVE-type containing 26; minus strand). Cytogenetic location: 14q24.1.
Variant type: single nucleotide variant.
Coding change: c.195-2A>G on transcript NM_015346.4 (MANE Select); the canonical splice acceptor site of the intron before coding-DNA position 195, A replaced by G.
Molecular consequence: splice acceptor variant.
Genome position (GRCh38, 1-based): chr14:67,814,066, T>C on the plus strand (A>G on the coding strand, the complement: ZFYVE26 is on the minus strand). VCF-style: chr14-67814066-T-C. GRCh37 (hg19) VCF-style: chr14-68280783-T-C.
Identifiers: ClinVar variation 2277772 (VCV002277772.3), dbSNP rs2500901134, ClinGen allele CA390163948.

ClinVar aggregate classification (germline): Likely pathogenic (1 of 4 stars; one submission).

Conditions:
Inborn genetic diseases. Identifiers: MedGen C0950123, MeSH D030342.

Submission:

Ambry Genetics
Classification: Likely pathogenic for Inborn genetic diseases. Last evaluated: 2022-03-25. Review status: criteria provided, single submitter. Criteria: Ambry Variant Classification Scheme 2023. Collection method: clinical testing. Allele origin: germline.
Comment: The c.195-2A>G intronic variant results from an A to G substitution two nucleotides before coding exon 2 of the ZFYVE26 gene. Alterations that disrupt the canonical splice site are expected to cause aberrant splicing, resulting in an abnormal protein or a transcript that is subject to nonsense-mediated mRNA decay. This variant was not reported in population-based cohorts in the Genome Aggregation Database (gnomAD). This nucleotide position is highly conserved in available vertebrate species. In silico splice site analysis predicts that this alteration will weaken the native splice acceptor site and will result in the creation or strengthening of a novel splice acceptor site. Based on the available evidence, this alteration is classified as likely pathogenic.